The following is an entry in ClinVar:

NM_003611.3(OFD1):c.967A>G (p.Ser323Gly)

Gene: OFD1 (OFD1 centriole and centriolar satellite protein; plus strand). Cytogenetic location: Xp22.2.
Variant type: single nucleotide variant.
Coding change: c.967A>G on transcript NM_003611.3 (MANE Select); coding-DNA position 967, A replaced by G.
Protein change: p.Ser323Gly; replaces serine 323 with glycine.
Molecular consequence: missense variant. On other transcripts: intron variant (1).
Genome position (GRCh38, 1-based): chrX:13,751,280, A>G. VCF-style: chrX-13751280-A-G. GRCh37 (hg19) VCF-style: chrX-13769399-A-G.
Other names: c.547A>G, p.Ser183Gly (NM_001330210.2); c.935+1747A>G (NM_001330209.2); short protein forms S183G, S323G.
Identifiers: ClinVar variation 1387002 (VCV001387002.8), dbSNP rs764424025, ClinGen allele CA10351727.

ClinVar aggregate classification (germline): Uncertain significance. Review status: criteria provided, multiple submitters, no conflicts (2 of 4 stars). 3 submissions from 3 submitters: Uncertain significance (3). Last evaluated 2025-03-06.

Conditions:
Simpson-Golabi-Behmel syndrome type 2. Identifiers: Orphanet 79022, MedGen C1846175, MONDO:0010265, OMIM 300209.
Joubert syndrome 10 (JBTS10). Identifiers: Orphanet 2754, MedGen C2749019, MONDO:0010431, OMIM 300804.
Retinitis pigmentosa 23 (RP23). Identifiers: Orphanet 791, MedGen C1419610, MONDO:0010320, OMIM 300424.
Orofaciodigital syndrome I (OFD1). Also called: OFDS I; Papillon-Leage and Psaume Syndrome; Oral-Facial-Digital Syndrome Type I. Identifiers: Orphanet 2750, MedGen C1510460, MONDO:0010702, OMIM 311200.
Joubert syndrome. Also called: CEREBELLOPARENCHYMAL DISORDER IV; JOUBERT-BOLTSHAUSER SYNDROME; Familial aplasia of the vermis. Identifiers: Orphanet 475, MedGen C5979921, MONDO:0018772.

Allele frequency attached by ClinVar (database versions not stated): gnomAD exomes below 0.00001 and 0.00001; ExAC 0.00001.
gnomAD v4.1: 2 of 1,206,452 alleles (0.00017%); highest among the groups gnomAD compares: Admixed American, 0.0022%; no homozygotes.

Submissions (3):

Women's Health and Genetics/Laboratory Corporation of America, LabCorp
Classification: Uncertain significance. Last evaluated: 2025-03-06. Review status: criteria provided, single submitter. Criteria: LabCorp Variant Classification Summary - May 2015. Collection method: clinical testing. Allele origin: germline.
Comment: Variant summary: OFD1 c.967A>G (p.Ser323Gly) results in a non-conservative amino acid change in the encoded protein sequence. Three of five in-silico tools predict a benign effect of the variant on protein function. The variant allele was found at a frequency of 5.5e-06 in 182712 control chromosomes (gnomAD). The available data on variant occurrences in the general population are insufficient to allow any conclusion about variant significance. To our knowledge, no occurrence of c.967A>G in individuals affected with Orofaciodigital Syndrome I and no experimental evidence demonstrating its impact on protein function have been reported. ClinVar contains an entry for this variant (Variation ID: 1387002). Based on the evidence outlined above, the variant was classified as uncertain significance.

Labcorp Genetics (formerly Invitae), Labcorp
Classification: Uncertain significance for Orofaciodigital syndrome I; Joubert syndrome. Last evaluated: 2024-10-29. Review status: criteria provided, single submitter. Criteria: Invitae Variant Classification Sherloc (09022015). Collection method: clinical testing. Allele origin: germline.
Comment: This sequence change replaces serine, which is neutral and polar, with glycine, which is neutral and non-polar, at codon 323 of the OFD1 protein (p.Ser323Gly). This variant is present in population databases (rs764424025, gnomAD 0.004%). This variant has not been reported in the literature in individuals affected with OFD1-related conditions. ClinVar contains an entry for this variant (Variation ID: 1387002). Invitae Evidence Modeling of protein sequence and biophysical properties (such as structural, functional, and spatial information, amino acid conservation, physicochemical variation, residue mobility, and thermodynamic stability) indicates that this missense variant is not expected to disrupt OFD1 protein function with a negative predictive value of 80%. In summary, the available evidence is currently insufficient to determine the role of this variant in disease. Therefore, it has been classified as a Variant of Uncertain Significance.

Fulgent Genetics
Classification: Uncertain significance for Simpson-Golabi-Behmel syndrome type 2; Retinitis pigmentosa 23; Joubert syndrome 10; Orofaciodigital syndrome I. Last evaluated: 2022-02-01. Review status: criteria provided, single submitter. Criteria: ACMG Guidelines, 2015. Collection method: clinical testing. Allele origin: unknown.